The following is an entry in ClinVar:

ClinVar aggregate classification (germline): Uncertain significance (1 of 4 stars; one submission).

Submission:

GeneDx
Classification: Uncertain significance. Last evaluated: 2025-04-09. Review status: criteria provided, single submitter. Criteria: GeneDx Variant Classification Process June 2021. Collection method: clinical testing. Allele origin: germline. Affected: yes.
Comment: Not observed at significant frequency in large population cohorts (gnomAD); In silico analysis supports that this missense variant has a deleterious effect on protein structure/function; Has not been previously published as pathogenic or benign to our knowledge

NM_001273.5(CHD4):c.5491A>G (p.Ser1831Gly)

Genes: CHD4 (chromodomain helicase DNA binding protein 4; minus strand), CHD4-AS1 (CHD4 antisense RNA 1; plus strand). Cytogenetic location: 12p13.31.
Variant type: single nucleotide variant.
Coding change: c.5491A>G on transcript NM_001273.5 (MANE Select); coding-DNA position 5491, A replaced by G.
Protein change: p.Ser1831Gly; replaces serine 1831 with glycine.
Molecular consequence: missense variant.
Genome position (GRCh38, 1-based): chr12:6,573,140, T>C on the plus strand (A>G on the coding strand, the complement: CHD4 is on the minus strand). VCF-style: chr12-6573140-T-C. GRCh37 (hg19) VCF-style: chr12-6682306-T-C.
Other names: c.5470A>G, p.Ser1824Gly (NM_001297553.2); c.5458A>G, p.Ser1820Gly (NM_001363606.2); short protein forms S1820G, S1824G, S1831G.
Identifiers: ClinVar variation 4281947 (VCV004281947.1).
Genomic context (GRCh38, chr12:6,573,140, plus strand): 5'-GCAGGACTGCATTGGCTGGCTTGTTTCCTGCCATTGACTCCTTGGACAGGTGCTGATGAC[T>C]TTCCGCCAAACACTCCACCTCAGCAAAGCGGGTGTTGAGGGCCATGGAAGGGTGAGAAGG-3'
Protein context (NP_001264.2, residues 1821-1841): RFAEVECLAE[Ser1831Gly]HQHLSKESMA